The following is an entry in ClinVar:

NM_000038.6(APC):c.4837C>A (p.Pro1613Thr)

Gene: APC (APC regulator of Wnt signaling pathway; plus strand). Cytogenetic location: 5q22.2.
Variant type: single nucleotide variant.
Coding change: c.4837C>A on transcript NM_000038.6 (MANE Select); coding-DNA position 4837, C replaced by A.
Protein change: p.Pro1613Thr; replaces proline 1613 with threonine.
Molecular consequence: missense variant.
Genome position (GRCh38, 1-based): chr5:112,840,431, C>A. VCF-style: chr5-112840431-C-A. GRCh37 (hg19) VCF-style: chr5-112176128-C-A.
Other names: c.4837C>A, p.Pro1613Thr (NM_001127510.3, NM_001354895.2, NM_001407450.1); c.4783C>A, p.Pro1595Thr (NM_001127511.3); c.4891C>A, p.Pro1631Thr (NM_001354896.2, NM_001407447.1, NM_001407448.1 and 1 more transcripts); c.4867C>A, p.Pro1623Thr (NM_001354897.2); c.4762C>A, p.Pro1588Thr (NM_001354898.2); c.4753C>A, p.Pro1585Thr (NM_001354899.2); c.4714C>A, p.Pro1572Thr (NM_001354900.2); c.4660C>A, p.Pro1554Thr (NM_001354901.2, NM_001407453.1); and 11 more; short protein forms P1229T, P1487T, P1572T, P1330T, P1484T, P1530T, P1588T, P1603T.
Identifiers: ClinVar variation 1743458 (VCV001743458.2), dbSNP rs1060503335, ClinGen allele CA16031928.

ClinVar aggregate classification (germline): Uncertain significance (1 of 4 stars; one submission).

Conditions:
Hereditary cancer-predisposing syndrome. Also called: Hereditary Cancer Syndrome; Neoplastic Syndromes, Hereditary; Tumor predisposition; Hereditary neoplastic syndrome. Identifiers: Orphanet 140162, MedGen C0027672, MeSH D009386, MONDO:0015356.

Submission:

Ambry Genetics
Classification: Uncertain significance for Hereditary cancer-predisposing syndrome. Last evaluated: 2020-11-10. Review status: criteria provided, single submitter. Criteria: Ambry Variant Classification Scheme 2023. Collection method: clinical testing. Allele origin: germline.
Comment: The p.P1613T variant (also known as c.4837C>A), located in coding exon 15 of the APC gene, results from a C to A substitution at nucleotide position 4837. The proline at codon 1613 is replaced by threonine, an amino acid with highly similar properties. This amino acid position is highly conserved in available vertebrate species. In addition, in silico predictors for this gene do not accurately predict pathogenicity. Since supporting evidence is limited at this time, the clinical significance of this alteration remains unclear.